The following is an entry in ClinVar:

ClinVar aggregate classification (germline): Likely benign. Review status: criteria provided, multiple submitters, no conflicts (2 of 4 stars). 3 submissions from 3 submitters: Likely benign (3). Last evaluated 2025-12-20.

Conditions:
Developmental and epileptic encephalopathy, 25 (DEE25). Also called: Developmental and epileptic encephalopathy 25, with amelogenesis imperfecta; Epileptic encephalopathy, early infantile, 25, with amelogenesis imperfecta; Epileptic encephalopathy, early infantile, 25. Identifiers: Orphanet 442835, MedGen C4014621, MONDO:0014392, OMIM 615905.

Allele frequency attached by ClinVar (database versions not stated): gnomAD 0.00001 and 0.00004; TOPMed 0.00002; gnomAD exomes 0.00008; ExAC 0.00011; 1000 Genomes Project 0.00060; 1000 Genomes Project 30x 0.00062.
gnomAD v4.1: 119 of 1,614,114 alleles (0.0074%); highest among the groups gnomAD compares: East Asian, 0.14%; no homozygotes.

Submissions (3):

Labcorp Genetics (formerly Invitae), Labcorp
Classification: Likely benign for Developmental and epileptic encephalopathy, 25. Last evaluated: 2025-12-20. Review status: criteria provided, single submitter. Criteria: Invitae Variant Classification Sherloc (09022015). Collection method: clinical testing. Allele origin: germline.

Blueprint Genetics
Classification: Likely benign. Last evaluated: 2024-11-26. Review status: criteria provided, single submitter. Criteria: ACMG Guidelines, 2015. Collection method: clinical testing. Allele origin: germline.

GeneDx
Classification: Likely benign. Last evaluated: 2016-11-04. Review status: criteria provided, single submitter. Criteria: GeneDx Variant Classification (06012015). Collection method: clinical testing. Allele origin: germline. Affected: yes.
Comment: This variant is considered likely benign or benign based on one or more of the following criteria: it is a conservative change, it occurs at a poorly conserved position in the protein, it is predicted to be benign by multiple in silico algorithms, and/or has population frequency not consistent with disease.

NM_177550.5(SLC13A5):c.1017C>T (p.Pro339=)

Gene: SLC13A5 (solute carrier family 13 member 5; minus strand). Cytogenetic location: 17p13.1.
Variant type: single nucleotide variant.
Coding change: c.1017C>T on transcript NM_177550.5 (MANE Select); coding-DNA position 1017, C replaced by T.
Protein change: p.Pro339=; no amino-acid change (proline 339 retained).
Molecular consequence: synonymous variant.
Genome position (GRCh38, 1-based): chr17:6,695,764, G>A on the plus strand (C>T on the coding strand, the complement: SLC13A5 is on the minus strand). VCF-style: chr17-6695764-G-A. GRCh37 (hg19) VCF-style: chr17-6599083-G-A.
Other names: c.1017C>T, p.Pro339= (NM_001143838.3); c.966C>T, p.Pro322= (NM_001284509.2); c.888C>T, p.Pro296= (NM_001284510.2).
Identifiers: ClinVar variation 390671 (VCV000390671.13), dbSNP rs200365614, ClinGen allele CA8331555.